The following is an entry in ClinVar:

NM_006206.6(PDGFRA):c.-3G>T

Gene: PDGFRA (platelet derived growth factor receptor alpha; plus strand). Cytogenetic location: 4q12.
Variant type: single nucleotide variant.
Coding change: c.-3G>T on transcript NM_006206.6 (MANE Select); 3 bases upstream of the start codon, G replaced by T.
Molecular consequence: 5 prime UTR variant. On other transcripts: missense variant (2).
Genome position (GRCh38, 1-based): chr4:54,258,766, G>T. VCF-style: chr4-54258766-G-T. GRCh37 (hg19) VCF-style: chr4-55124933-G-T.
Other names: c.-3G>T (NM_001347827.2, NM_001347829.2); c.73G>T, p.Ala25Ser (NM_001347828.2); c.37G>T, p.Ala13Ser (NM_001347830.2); short protein forms A13S, A25S.
Identifiers: ClinVar variation 4861741 (VCV004861741.1).

ClinVar aggregate classification (germline): Uncertain significance (1 of 4 stars; one submission).

Conditions:
Hereditary cancer-predisposing syndrome. Also called: Neoplastic Syndromes, Hereditary; Tumor predisposition; Hereditary Cancer Syndrome; Hereditary neoplastic syndrome. Identifiers: Orphanet 140162, MedGen C0027672, MeSH D009386, MONDO:0015356.

Submission:

Ambry Genetics
Classification: Uncertain significance for Hereditary cancer-predisposing syndrome. Last evaluated: 2026-05-05. Review status: criteria provided, single submitter. Criteria: Ambry Variant Classification Scheme 2023. Collection method: clinical testing. Allele origin: germline.
Comment: The c.-3G>T variant is located in the 5' untranslated region (5&rsquo; UTR) of the PDGFRA gene. This variant results from a G to T substitution 3 nucleotides upstream from the first translated codon. This nucleotide position is not well conserved in available vertebrate species. Based on the available evidence, the clinical significance of this variant remains unclear.